The following is an entry in ClinVar:

NM_002460.4(IRF4):c.493-95G>A

Gene: IRF4 (interferon regulatory factor 4; plus strand). Cytogenetic location: 6p25.3.
Variant type: single nucleotide variant.
Coding change: c.493-95G>A on transcript NM_002460.4 (MANE Select); 95 bases into the intron before coding-DNA position 493, G replaced by A.
Molecular consequence: intron variant.
Genome position (GRCh38, 1-based): chr6:397,013, G>A. VCF-style: chr6-397013-G-A. GRCh37 (hg19) VCF-style: chr6-397013-G-A.
Other names: c.493-98G>A (NM_001195286.2).
Identifiers: ClinVar variation 2688177 (VCV002688177.2), dbSNP rs12662302, ClinGen allele CA133332825.

ClinVar aggregate classification (germline): Benign (1 of 4 stars; one submission).

Allele frequency attached by ClinVar (database versions not stated): gnomAD exomes 0.00176; gnomAD 0.00810.

Submission:

Unidad de Genómica Garrahan, Hospital de Pediatría Garrahan
Classification: Benign. Last evaluated: 2024-01-24. Review status: criteria provided, single submitter. Criteria: ACMG Guidelines, 2015. Collection method: clinical testing. Allele origin: germline. Affected: no. Observed: 40 variant alleles.
Comment: This variant is classified as Benign based on local population frequency. This variant was detected in 42% of patients studied by a panel of primary immunodeficiencies. Number of patients: 40. Only high quality variants are reported.